The following is an entry in ClinVar:

ClinVar aggregate classification (germline): Uncertain significance (1 of 4 stars; one submission).

Conditions:
Atrioventricular septal defect 4 (AVSD4). Identifiers: MedGen C3280781, MONDO:0013747, OMIM 614430.

Allele frequency attached by ClinVar (database versions not stated): gnomAD exomes 0.00001.
gnomAD v4.1: 11 of 1,497,506 alleles (0.00073%); highest among the groups gnomAD compares: Non-Finnish European, 0.00097%; no homozygotes.

Submission:

Labcorp Genetics (formerly Invitae), Labcorp
Classification: Uncertain significance for Atrioventricular septal defect 4. Last evaluated: 2024-05-25. Review status: criteria provided, single submitter. Criteria: Invitae Variant Classification Sherloc (09022015). Collection method: clinical testing. Allele origin: germline.
Comment: This sequence change replaces alanine, which is neutral and non-polar, with threonine, which is neutral and polar, at codon 178 of the GATA4 protein (p.Ala178Thr). This variant is not present in population databases (gnomAD no frequency). This variant has not been reported in the literature in individuals affected with GATA4-related conditions. Advanced modeling of protein sequence and biophysical properties (such as structural, functional, and spatial information, amino acid conservation, physicochemical variation, residue mobility, and thermodynamic stability) performed at Invitae indicates that this missense variant is not expected to disrupt GATA4 protein function with a negative predictive value of 80%. In summary, the available evidence is currently insufficient to determine the role of this variant in disease. Therefore, it has been classified as a Variant of Uncertain Significance.

NM_001308093.3(GATA4):c.532G>A (p.Ala178Thr)

Gene: GATA4 (GATA binding protein 4). Cytogenetic location: 8p23.1.
Variant type: single nucleotide variant.
Coding change: c.532G>A on transcript NM_001308093.3 (MANE Select); coding-DNA position 532, G replaced by A.
Protein change: p.Ala178Thr; replaces alanine 178 with threonine.
Molecular consequence: missense variant. On other transcripts: intron variant (3).
Genome position (GRCh38, 1-based): chr8:11,708,844, G>A. VCF-style: chr8-11708844-G-A. GRCh37 (hg19) VCF-style: chr8-11566353-G-A.
Other names: c.532G>A, p.Ala178Thr (NM_002052.5); c.-6+8066G>A (NM_001308094.2); c.-3+830G>A (NM_001374274.1); c.-3+4540G>A (NM_001374273.1); short protein forms A178T.
Identifiers: ClinVar variation 2995424 (VCV002995424.3), dbSNP rs1800026498, ClinGen allele CA370309825.